The following is an entry in ClinVar:

NM_206933.4(USH2A):c.8319C>T (p.Ser2773=)

Gene: USH2A (usherin; minus strand). Cytogenetic location: 1q41.
Variant type: single nucleotide variant.
Coding change: c.8319C>T on transcript NM_206933.4 (MANE Select); coding-DNA position 8319, C replaced by T.
Protein change: p.Ser2773=; no amino-acid change (serine 2773 retained).
Molecular consequence: synonymous variant.
Genome position (GRCh38, 1-based): chr1:215,879,003, G>A on the plus strand (C>T on the coding strand, the complement: USH2A is on the minus strand). VCF-style: chr1-215879003-G-A. GRCh37 (hg19) VCF-style: chr1-216052345-G-A.
Identifiers: ClinVar variation 178646 (VCV000178646.20), dbSNP rs56829872, ClinGen allele CA182729.

ClinVar aggregate classification (germline): Benign/Likely benign. Review status: criteria provided, multiple submitters, no conflicts (2 of 4 stars). 8 submissions from 7 submitters: Benign (6); Likely benign (1). 1 of the submissions does not count toward it. Last evaluated 2026-01-28.

Conditions:
Usher syndrome type 2A. Also called: USHER SYNDROME, TYPE IIA; RETINAL DISEASE IN USHER SYNDROME TYPE IIA, MODIFIER OF. Identifiers: Orphanet 231178, Orphanet 886, MedGen C1848634, MONDO:0010169, OMIM 276901.
Retinitis pigmentosa 39 (RP39). Identifiers: Orphanet 791, MedGen C3151138, MONDO:0013436, OMIM 613809.

Allele frequency attached by ClinVar (database versions not stated): gnomAD exomes 0.00105; ExAC 0.00122; gnomAD 0.00370 and 0.00393; ESP Exome Variant Server 0.00431; TOPMed 0.00449; 1000 Genomes Project 0.00559; 1000 Genomes Project 30x 0.00609.
gnomAD v4.1: 1,039 of 1,613,946 alleles (0.064%); highest among the groups gnomAD compares: African/African-American, 1.2%; 7 homozygotes.

Submissions (8):

Labcorp Genetics (formerly Invitae), Labcorp
Classification: Benign. Last evaluated: 2026-01-28. Review status: criteria provided, single submitter. Criteria: Invitae Variant Classification Sherloc (09022015). Collection method: clinical testing. Allele origin: germline.

Blueprint Genetics
Classification: Likely benign. Last evaluated: 2024-10-08. Review status: criteria provided, single submitter. Criteria: ACMG Guidelines, 2015. Collection method: clinical testing. Allele origin: germline.

Genome-Nilou Lab
Classification: Benign for Retinitis pigmentosa 39. Last evaluated: 2023-11-04. Review status: criteria provided, single submitter. Criteria: ACMG Guidelines, 2015. Collection method: clinical testing. Allele origin: germline. Affected: no.

Genome-Nilou Lab
Classification: Benign for Usher syndrome type 2A. Last evaluated: 2023-11-04. Review status: criteria provided, single submitter. Criteria: ACMG Guidelines, 2015. Collection method: clinical testing. Allele origin: germline. Affected: no.

GeneDx
Classification: Benign. Last evaluated: 2019-05-03. Review status: criteria provided, single submitter. Criteria: GeneDx Variant Classification Process June 2021. Collection method: clinical testing. Allele origin: germline. Affected: yes.

Laboratory for Molecular Medicine, Mass General Brigham Personalized Medicine
Classification: Benign. Last evaluated: 2012-05-07. Review status: criteria provided, single submitter. Criteria: LMM Criteria. Collection method: clinical testing. Allele origin: germline. Observed: 8 variant alleles.
Comment: "Ser2773Ser in Exon 42 of USH2A: This variant is not expected to have clinical s ignificance because it does not alter an amino acid residue, is not located with in the splice consensus sequence, and has been identified in 1.4% (54/3738) of A frican American chromosomes from a broad population by the NHLBI Exome Sequencin g Project (dbSNP rs56829872)."

Breakthrough Genomics
Classification: Benign. Review status: criteria provided, single submitter. Criteria: ACMG Guidelines, 2015. Collection method: not provided. Allele origin: germline. Inheritance: Autosomal recessive inheritance. Affected: yes.

Natera, Inc.
Classification: Benign for Usher syndrome type 2A. Last evaluated: 2019-12-08. Review status: no assertion criteria provided. Collection method: clinical testing. Allele origin: germline. Not counted in ClinVar's aggregate classification.